The following is an entry in ClinVar:

ClinVar aggregate classification (germline): Likely benign (1 of 4 stars; one submission).

Submission:

CeGaT Center for Human Genetics Tuebingen
Classification: Likely benign. Last evaluated: 2026-01-01. Review status: criteria provided, single submitter. Criteria: CeGaT Center For Human Genetics Tuebingen Variant Classification Criteria Version 2. Collection method: clinical testing. Allele origin: germline. Affected: yes. Observed: 2 variant alleles.
Comment: MUC5B: PM2:Supporting, BP4, BP7

NM_002458.3(MUC5B):c.14514G>C (p.Leu4838=)

Gene: MUC5B (mucin 5B, oligomeric mucus/gel-forming; plus strand). Cytogenetic location: 11p15.5.
Variant type: single nucleotide variant.
Coding change: c.14514G>C on transcript NM_002458.3 (MANE Select); coding-DNA position 14514, G replaced by C.
Protein change: p.Leu4838=; no amino-acid change (leucine 4838 retained).
Molecular consequence: synonymous variant.
Genome position (GRCh38, 1-based): chr11:1,251,394, G>C. VCF-style: chr11-1251394-G-C. GRCh37 (hg19) VCF-style: chr11-1272624-G-C.
Identifiers: ClinVar variation 3778207 (VCV003778207.7).